The following is an entry in ClinVar:

NM_182760.4(SUMF1):c.491A>T (p.Glu164Val)

Gene: SUMF1 (sulfatase modifying factor 1; minus strand). Cytogenetic location: 3p26.1.
Variant type: single nucleotide variant.
Coding change: c.491A>T on transcript NM_182760.4 (MANE Select); coding-DNA position 491, A replaced by T.
Protein change: p.Glu164Val; replaces glutamic acid 164 with valine.
Molecular consequence: missense variant. On other transcripts: intron variant (1).
Genome position (GRCh38, 1-based): chr3:4,449,294, T>A on the plus strand (A>T on the coding strand, the complement: SUMF1 is on the minus strand). VCF-style: chr3-4449294-T-A. GRCh37 (hg19) VCF-style: chr3-4490978-T-A.
Other names: c.491A>T, p.Glu164Val (NM_001164675.2); c.444+3582A>T (NM_001164674.2); short protein forms E164V.
Identifiers: ClinVar variation 345321 (VCV000345321.9), dbSNP rs886058519, ClinGen allele CA10615923.

ClinVar aggregate classification (germline): Uncertain significance. Review status: criteria provided, multiple submitters, no conflicts (2 of 4 stars). 2 submissions from 2 submitters: Uncertain significance (2). Last evaluated 2022-08-15.

Conditions:
Multiple sulfatase deficiency (MSD). Also called: Mucosulfatidosis; Multiple Sulfatase Deficiency Disease; Sulfatidosis, Juvenile, Austin Type. Identifiers: Orphanet 585, MedGen C0268263, MONDO:0010088, OMIM 272200.

Submissions (2):

Labcorp Genetics (formerly Invitae), Labcorp
Classification: Uncertain significance for Multiple sulfatase deficiency. Last evaluated: 2022-08-15. Review status: criteria provided, single submitter. Criteria: Invitae Variant Classification Sherloc (09022015). Collection method: clinical testing. Allele origin: germline.
Comment: This sequence change replaces glutamic acid, which is acidic and polar, with valine, which is neutral and non-polar, at codon 164 of the SUMF1 protein (p.Glu164Val). This variant is not present in population databases (gnomAD no frequency). This variant has not been reported in the literature in individuals affected with SUMF1-related conditions. ClinVar contains an entry for this variant (Variation ID: 345321). Algorithms developed to predict the effect of missense changes on protein structure and function are either unavailable or do not agree on the potential impact of this missense change (SIFT: "Deleterious"; PolyPhen-2: "Possibly Damaging"; Align-GVGD: "Class C0"). In summary, the available evidence is currently insufficient to determine the role of this variant in disease. Therefore, it has been classified as a Variant of Uncertain Significance.

Illumina Laboratory Services, Illumina
Classification: Uncertain significance for Multiple sulfatase deficiency. Last evaluated: 2018-01-12. Review status: criteria provided, single submitter. Criteria: ICSL Variant Classification Criteria 13 December 2019. Collection method: clinical testing. Allele origin: germline.